The following is an entry in ClinVar:

ClinVar aggregate classification (germline): Uncertain significance (1 of 4 stars; one submission).

Conditions:
Inborn genetic diseases. Identifiers: MedGen C0950123, MeSH D030342.

gnomAD v4.1: 2 of 1,614,156 alleles (0.00012%); highest among the groups gnomAD compares: Non-Finnish European, 0.00017%; no homozygotes.

Submission:

Ambry Genetics
Classification: Uncertain significance for Inborn genetic diseases. Last evaluated: 2025-06-25. Review status: criteria provided, single submitter. Criteria: Ambry Variant Classification Scheme 2023. Collection method: clinical testing. Allele origin: germline.
Comment: The p.H175P variant (also known as c.524A>C), located in coding exon 1 of the SAMD9L gene, results from an A to C substitution at nucleotide position 524. The histidine at codon 175 is replaced by proline, an amino acid with similar properties. This amino acid position is conserved. In addition, this alteration is predicted to be tolerated by in silico analysis. Based on the available evidence, the clinical significance of this variant remains unclear.

NM_152703.5(SAMD9L):c.524A>C (p.His175Pro)

Gene: SAMD9L (sterile alpha motif domain containing 9 like; minus strand). Cytogenetic location: 7q21.2.
Variant type: single nucleotide variant.
Coding change: c.524A>C on transcript NM_152703.5 (MANE Select); coding-DNA position 524, A replaced by C.
Protein change: p.His175Pro; replaces histidine 175 with proline.
Molecular consequence: missense variant.
Genome position (GRCh38, 1-based): chr7:93,135,448, T>G on the plus strand (A>C on the coding strand, the complement: SAMD9L is on the minus strand). VCF-style: chr7-93135448-T-G. GRCh37 (hg19) VCF-style: chr7-92764761-T-G.
Other names: c.524A>C, p.His175Pro (NM_001303496.3, NM_001303497.3, NM_001303498.3 and 5 more transcripts); short protein forms H175P.
Identifiers: ClinVar variation 4159271 (VCV004159271.1).
Genomic context (GRCh38, chr7:93,135,448, plus strand): 5'-GGATCAATGAGATTGAGTGCTCCTGTTTCAGGTTGTAGAGTATAATGTTCTATGTAGCGA[T>G]GGCTGTCATGGAACTGATCAAAAGGATATGGCATACAAGTCAATTGTTCAGGTTTTAGCT-3'
Protein context (NP_689916.2, residues 165-185): PYPFDQFHDS[His175Pro]RYIEHYTLQP